The following is an entry in ClinVar:

ClinVar aggregate classification (germline): Uncertain significance. Review status: criteria provided, multiple submitters, no conflicts (2 of 4 stars). 4 submissions from 4 submitters: Uncertain significance (4). Last evaluated 2025-08-29.

Conditions:
Cardiovascular phenotype. Identifiers: MedGen CN230736.
Hypertrophic cardiomyopathy 14. Identifiers: MedGen C2750467, MONDO:0013197, OMIM 613251.

Allele frequency attached by ClinVar (database versions not stated): gnomAD exomes 0.00001; ExAC 0.00002.
gnomAD v4.1: 4 of 1,612,856 alleles (0.00025%); highest among the groups gnomAD compares: Admixed American, 0.0067%; no homozygotes.

Submissions (4):

Ambry Genetics
Classification: Uncertain significance for Cardiovascular phenotype. Last evaluated: 2025-08-29. Review status: criteria provided, single submitter. Criteria: Ambry Variant Classification Scheme 2023. Collection method: clinical testing. Allele origin: germline.

Labcorp Genetics (formerly Invitae), Labcorp
Classification: Uncertain significance for Hypertrophic cardiomyopathy 14. Last evaluated: 2024-10-29. Review status: criteria provided, single submitter. Criteria: Invitae Variant Classification Sherloc (09022015). Collection method: clinical testing. Allele origin: germline.
Comment: This sequence change replaces leucine, which is neutral and non-polar, with isoleucine, which is neutral and non-polar, at codon 1423 of the MYH6 protein (p.Leu1423Ile). This variant is present in population databases (rs752785030, gnomAD 0.009%). This variant has not been reported in the literature in individuals affected with MYH6-related conditions. ClinVar contains an entry for this variant (Variation ID: 953188). Invitae Evidence Modeling of protein sequence and biophysical properties (such as structural, functional, and spatial information, amino acid conservation, physicochemical variation, residue mobility, and thermodynamic stability) indicates that this missense variant is not expected to disrupt MYH6 protein function with a negative predictive value of 80%. In summary, the available evidence is currently insufficient to determine the role of this variant in disease. Therefore, it has been classified as a Variant of Uncertain Significance.

GeneDx
Classification: Uncertain significance. Last evaluated: 2023-06-26. Review status: criteria provided, single submitter. Criteria: GeneDx Variant Classification Process June 2021. Collection method: clinical testing. Allele origin: germline. Affected: yes.
Comment: Not observed at significant frequency in large population cohorts (gnomAD); In silico analysis supports that this missense variant does not alter protein structure/function; Has not been previously published as pathogenic or benign to our knowledge

AiLife Diagnostics
Classification: Uncertain significance. Last evaluated: 2021-11-23. Review status: criteria provided, single submitter. Criteria: ACMG Guidelines, 2015. Collection method: clinical testing. Allele origin: germline. Affected: yes. Observed: 1 variant allele.

NM_002471.4(MYH6):c.4267C>A (p.Leu1423Ile)

Gene: MYH6 (myosin heavy chain 6; minus strand). Cytogenetic location: 14q11.2.
Variant type: single nucleotide variant.
Coding change: c.4267C>A on transcript NM_002471.4 (MANE Select); coding-DNA position 4267, C replaced by A.
Protein change: p.Leu1423Ile; replaces leucine 1423 with isoleucine.
Molecular consequence: missense variant.
Genome position (GRCh38, 1-based): chr14:23,388,247, G>T on the plus strand (C>A on the coding strand, the complement: MYH6 is on the minus strand). VCF-style: chr14-23388247-G-T. GRCh37 (hg19) VCF-style: chr14-23857456-G-T.
Other names: short protein forms L1423I.
Identifiers: ClinVar variation 953188 (VCV000953188.12), dbSNP rs752785030, ClinGen allele CA7114834.